The following is an entry in ClinVar:

ClinVar aggregate classification (germline): Pathogenic/Likely pathogenic. Review status: criteria provided, multiple submitters, no conflicts (2 of 4 stars). 3 submissions from 3 submitters: Pathogenic (1); Likely pathogenic (1). 1 of the submissions does not count toward it. Last evaluated 2023-10-01.

Conditions:
PRPH2-related disorder. Also called: PRPH2-related disorders; PRPH2-related condition. Identifiers: MedGen CN239395.
Retinal dystrophy. Also called: Inherited retinal dystrophy. Identifiers: Orphanet 71862, MedGen C0854723, MeSH D058499, MONDO:0019118, HP:0000556.

Submissions (3):

Dept Of Ophthalmology, Nagoya University
Classification: Likely pathogenic for Retinal dystrophy. Last evaluated: 2023-10-01. Review status: criteria provided, single submitter. Criteria: Submitter's publication. Collection method: research. Allele origin: germline. Affected: yes.

Labcorp Genetics (formerly Invitae), Labcorp
Classification: Pathogenic for PRPH2-related disorder. Last evaluated: 2021-12-02. Review status: criteria provided, single submitter. Criteria: Invitae Variant Classification Sherloc (09022015). Collection method: clinical testing. Allele origin: germline.
Comment: For these reasons, this variant has been classified as Pathogenic. ClinVar contains an entry for this variant (Variation ID: 1175265). This premature translational stop signal has been observed in individual(s) with retinitis pigmentosa (PMID: 31213501). This variant is not present in population databases (gnomAD no frequency). This sequence change creates a premature translational stop signal (p.Phe211Tyrfs*7) in the PRPH2 gene. It is expected to result in an absent or disrupted protein product. Loss-of-function variants in PRPH2 are known to be pathogenic (PMID: 8111389, 8485575, 8485576, 8675410, 16916875, 17504850, 25675413, 26061163, 27365499, 29555955).

Leiden Open Variation Database
Classification: Pathogenic. Last evaluated: 2019-07-24. Review status: no assertion criteria provided. Collection method: curation. Allele origin: germline. Affected: yes. Not counted in ClinVar's aggregate classification.
Comment: Curator: Global Variome, with Curator vacancy. Submitter to LOVD: Yoshito Koyanagi.

Literature cited by the submitters: PubMed 31213501 (cited by Labcorp Genetics (formerly Invitae), Labcorp and Leiden Open Variation Database); PubMed 8111389 (cited by Labcorp Genetics (formerly Invitae), Labcorp); PubMed 8485575 (cited by Labcorp Genetics (formerly Invitae), Labcorp); PubMed 8485576 (cited by Labcorp Genetics (formerly Invitae), Labcorp); PubMed 8675410 (cited by Labcorp Genetics (formerly Invitae), Labcorp); PubMed 16916875 (cited by Labcorp Genetics (formerly Invitae), Labcorp); PubMed 17504850 (cited by Labcorp Genetics (formerly Invitae), Labcorp); PubMed 25675413 (cited by Labcorp Genetics (formerly Invitae), Labcorp); PubMed 26061163 (cited by Labcorp Genetics (formerly Invitae), Labcorp); PubMed 27365499 (cited by Labcorp Genetics (formerly Invitae), Labcorp); PubMed 29555955 (cited by Labcorp Genetics (formerly Invitae), Labcorp).

NM_000322.5(PRPH2):c.631_632insA (p.Phe211fs)

Gene: PRPH2 (peripherin 2; minus strand). Cytogenetic location: 6p21.1.
Variant type: Insertion.
Coding change: c.631_632insA on transcript NM_000322.5 (MANE Select); coding-DNA positions 631 to 632, A inserted.
Protein change: p.Phe211fs; shifts the reading frame from phenylalanine 211.
Molecular consequence: frameshift variant.
Genome position: GRCh38 VCF-style: chr6-42704561-A-AT. GRCh37 (hg19) VCF-style: chr6-42672299-A-AT.
Other names: short protein forms F211fs.
Identifiers: ClinVar variation 1175265 (VCV001175265.7), dbSNP rs2152005352, ClinGen allele CA2499218276.